The following is an entry in ClinVar:

ClinVar aggregate classification (germline): Pathogenic. Review status: criteria provided, multiple submitters, no conflicts (2 of 4 stars). 6 submissions from 6 submitters: Pathogenic (5). 1 of the submissions does not count toward it. Last evaluated 2024-11-19.

Conditions:
CNGB3-related disorder. Also called: CNGB3-related condition; CNGB3-related disorders. Identifiers: MedGen CN239340.
Achromatopsia. Also called: Rod monochromatism. Identifiers: Orphanet 49382, MedGen C0152200, MONDO:0018852, HP:0011516.
Achromatopsia 3 (ACHM3). Also called: ACHROMATOPSIA WITH MYOPIA; PINGELAPESE BLINDNESS; TOTAL COLORBLINDNESS WITH MYOPIA; ROD MONOCHROMACY 1; ROD MONOCHROMATISM 1. Identifiers: Orphanet 49382, MedGen C1849792, MONDO:0009875, OMIM 262300.

Submissions (6):

PreventionGenetics, part of Exact Sciences
Classification: Pathogenic for CNGB3-related condition. Last evaluated: 2024-11-19. Review status: criteria provided, single submitter. Criteria: ACMG Guidelines, 2015. Collection method: clinical testing. Allele origin: germline.
Comment: The CNGB3 c.1493delT variant is predicted to result in a frameshift and premature protein termination (p.Leu498Cysfs*11). This variant has been reported in an individual with achromatopsia (Mayer et al. 2017. PubMed ID: 28795510). This variant is reported in 0.00088% of alleles in individuals of European (Non-Finnish) descent in gnomAD. Frameshift variants in CNGB3 are expected to be pathogenic. This variant is interpreted as pathogenic.

Natera, Inc.
Classification: Pathogenic for Achromatopsia. Last evaluated: 2024-10-28. Review status: criteria provided, single submitter. Criteria: Natera Variant Classification Schema (03/2026). Collection method: clinical testing. Allele origin: germline.
Comment: The c.1493delT variant in CNGB3 is a frameshift variant predicted to shift the reading frame beginning at codon 498 and leads to a stop codon 11 codons downstream. This variant is expected to result in nonsense mediated decay, truncation, or a dysfunctional protein product. This variant is rare in the general population with a frequency below the threshold expected for the associated phenotype(s). This variant has been observed in one or more individuals affected with the associated recessive disease, as either homozygous or compound heterozygous with a second variant (PMID: 28795510). Additionally, this variant has been observed to segregate in affected family members (PMID: 28795510). Given the available evidence, this variant is classified as Pathogenic.

Labcorp Genetics (formerly Invitae), Labcorp
Classification: Pathogenic. Last evaluated: 2023-12-26. Review status: criteria provided, single submitter. Criteria: Invitae Variant Classification Sherloc (09022015). Collection method: clinical testing. Allele origin: germline.
Comment: This sequence change creates a premature translational stop signal (p.Leu498Cysfs*11) in the CNGB3 gene. It is expected to result in an absent or disrupted protein product. Loss-of-function variants in CNGB3 are known to be pathogenic (PMID: 28795510). This variant is present in population databases (rs773381712, gnomAD 0.0009%). This premature translational stop signal has been observed in individual(s) with achromatopsia (PMID: 28795510). ClinVar contains an entry for this variant (Variation ID: 427662). For these reasons, this variant has been classified as Pathogenic.

Victorian Clinical Genetics Services, Murdoch Childrens Research Institute
Classification: Pathogenic for Achromatopsia 3. Last evaluated: 2022-02-02. Review status: criteria provided, single submitter. Criteria: ACMG Guidelines, 2015. Collection method: clinical testing. Allele origin: germline. Inheritance: Autosomal recessive inheritance. Affected: yes.
Comment: Based on the classification scheme VCGS_Germline_v1.3.4, this variant is classified as Pathogenic. Following criteria are met: 0103 - Loss of function and gain of function are known mechanisms of disease in this gene and are associated with achromatopsia 3 (MIM#262300) (PMIDs: 16379026, 23805033). (I) 0106 - This gene is associated with autosomal recessive disease. However, rare cases of monoallelic disease have been reported, which appear to cause a less severe phenotype (PMID: 16379026). (I) 0201 - Variant is predicted to cause nonsense-mediated decay (NMD) and loss of protein (premature termination codon is located at least 54 nucleotides upstream of the final exon-exon junction). (SP) 0251 - This variant is heterozygous. (I) 0304 - Variant is present in gnomAD (v2) <0.01 for a recessive condition (2 heterozygotes, 0 homozygotes). (SP) 0701 - Other NMD predicted variants comparable to the one identified in this case have very strong previous evidence for pathogenicity (DECIPHER). (SP) 0803 - This variant has limited previous evidence of pathogenicity in two unrelated individuals. This variant has been observed in a compound heterozygous state in three affected members of one family with achromatopsia, and in one affected member of another family where it was also observed as compound heterozygous with the p.(Thr383Ilefs*13) variant (PMID: 28795510). (SP) 1007 - No published functional evidence has been identified for this variant. (I) 1208 - Inheritance information for this variant is not currently available in this individual. (I) Legend: (SP) - Supporting pathogenic, (I) - Information, (SB) - Supporting benign

Blueprint Genetics
Classification: Pathogenic for CNGB3-related disorders. Last evaluated: 2020-11-23. Review status: criteria provided, single submitter. Criteria: ACMG Guidelines, 2015. Collection method: clinical testing. Allele origin: germline. Affected: yes. Observed: 4 variant alleles.

Molecular Genetics Laboratory, Institute for Ophthalmic Research
Classification: Pathogenic for ACHM3. Last evaluated: 2017-03-27. Review status: no assertion criteria provided. Collection method: research. Allele origin: germline. Affected: yes. Not counted in ClinVar's aggregate classification.

Literature cited by the submitters: PubMed 28795510 (cited by 4 submitters); PubMed 16379026 (cited by Victorian Clinical Genetics Services, Murdoch Childrens Research Institute); PubMed 23805033 (cited by Victorian Clinical Genetics Services, Murdoch Childrens Research Institute).

NM_019098.5(CNGB3):c.1493del (p.Leu498fs)

Gene: CNGB3 (cyclic nucleotide gated channel subunit beta 3; minus strand). Cytogenetic location: 8q21.3.
Variant type: Deletion.
Coding change: c.1493del on transcript NM_019098.5 (MANE Select); coding-DNA position 1493, one base deleted (T; older notation c.1493delT).
Protein change: p.Leu498fs; shifts the reading frame from leucine 498.
Molecular consequence: frameshift variant.
Genome position (GRCh38, 1-based): chr8:86,626,068, A deleted on the plus strand (T on the coding strand, the reverse complement: CNGB3 is on the minus strand); the first of 3 consecutive A bases (chr8:86,626,068-86,626,070); deleting any one gives the same sequence. VCF-style (leftmost placement, unchanged base first): chr8-86626067-CA-C. GRCh37 (hg19) VCF-style: chr8-87638295-CA-C.
Other names: c.1493delT (NM_019098.4); short protein forms L498fs.
Identifiers: ClinVar variation 427662 (VCV000427662.11), dbSNP rs773381712, ClinGen allele CA4799997.